The following is an entry in ClinVar:

NM_000059.4(BRCA2):c.5624del (p.Lys1875fs)

Gene: BRCA2 (BRCA2 DNA repair associated; plus strand). Cytogenetic location: 13q13.1.
Variant type: Deletion.
Coding change: c.5624del on transcript NM_000059.4 (MANE Select); coding-DNA position 5624, one base deleted (A; older notation c.5624delA).
Protein change: p.Lys1875fs; shifts the reading frame from lysine 1875.
Molecular consequence: frameshift variant.
Genome position (GRCh38, 1-based): chr13:32,339,979, A deleted; the last of 2 consecutive A bases (chr13:32,339,978-32,339,979); deleting either gives the same sequence. VCF-style (leftmost placement, unchanged base first): chr13-32339977-TA-T. GRCh37 (hg19) VCF-style: chr13-32914114-TA-T.
Other names: 5852delA-ter1908; c.5624delA (NM_000059.3).
Identifiers: ClinVar variation 51893 (VCV000051893.15), dbSNP rs397507792, ClinGen allele CA022733.

ClinVar aggregate classification (germline): Pathogenic. Review status: reviewed by expert panel (3 of 4 stars). 4 submissions from 4 submitters: Pathogenic (1). 3 of the submissions do not count toward it. Last evaluated 2016-10-18.

Conditions:
Hereditary breast ovarian cancer syndrome. Also called: Hereditary breast and ovarian cancer syndrome; Hereditary breast and ovarian cancer; Hereditary breast and ovarian cancer syndrome (HBOC); Breast and ovarian cancer; Hereditary breast and/or ovarian cancer syndrome; BRCA1- and BRCA2-Associated Hereditary Breast and Ovarian Cancer. Identifiers: Orphanet 145, MedGen C0677776, MeSH D061325, MONDO:0003582. Disease mechanism: loss of function.
Breast-ovarian cancer, familial, susceptibility to, 2 (BROVCA2). Also called: BRCA2 Hereditary Breast and Ovarian Cancer. Identifiers: Orphanet 145, MedGen C2675520, MONDO:0012933, OMIM 612555. Disease mechanism: loss of function.

Submissions (4):

Evidence-based Network for the Interpretation of Germline Mutant Alleles (ENIGMA)
Classification: Pathogenic for Breast-ovarian cancer, familial, susceptibility to, 2. Last evaluated: 2016-10-18. Review status: reviewed by expert panel. Criteria: ENIGMA BRCA1/2 Classification Criteria (2015). Collection method: curation. Allele origin: germline.
Comment: Variant allele predicted to encode a truncated non-functional protein.

Revvity Omics, Revvity
Classification: Pathogenic. Last evaluated: 2021-12-20. Review status: criteria provided, single submitter. Criteria: ACMG Guidelines, 2015. Collection method: clinical testing. Allele origin: germline. Not counted in ClinVar's aggregate classification.

Labcorp Genetics (formerly Invitae), Labcorp
Classification: Pathogenic for Hereditary breast ovarian cancer syndrome. Last evaluated: 2021-05-25. Review status: criteria provided, single submitter. Criteria: Invitae Variant Classification Sherloc (09022015). Collection method: clinical testing. Allele origin: germline. Not counted in ClinVar's aggregate classification.
Comment: This variant has not been reported in the literature in individuals with BRCA2-related conditions. ClinVar contains an entry for this variant (Variation ID: 51893). For these reasons, this variant has been classified as Pathogenic. This variant is not present in population databases (ExAC no frequency). This sequence change creates a premature translational stop signal (p.Lys1875Argfs*34) in the BRCA2 gene. It is expected to result in an absent or disrupted protein product. Loss-of-function variants in BRCA2 are known to be pathogenic (PMID: 20104584).

Consortium of Investigators of Modifiers of BRCA1/2 (CIMBA), c/o University of Cambridge
Classification: Pathogenic for Breast-ovarian cancer, familial, susceptibility to, 2. Last evaluated: 2015-10-02. Review status: criteria provided, single submitter. Criteria: CIMBA Mutation Classification guidelines May 2016. Collection method: clinical testing. Allele origin: germline. Not counted in ClinVar's aggregate classification.

Literature cited by the submitters: PubMed 20104584 (cited by Labcorp Genetics (formerly Invitae), Labcorp).